The following is an entry in ClinVar:

ClinVar aggregate classification (germline): Uncertain significance (1 of 4 stars; one submission).

Allele frequency attached by ClinVar (database versions not stated): TOPMed below 0.00001.

Submission:

GeneDx
Classification: Uncertain significance. Last evaluated: 2019-08-07. Review status: criteria provided, single submitter. Criteria: GeneDx Variant Classification Process June 2021. Collection method: clinical testing. Allele origin: germline. Affected: yes.
Comment: Not observed in large population cohorts (Lek et al., 2016); In silico analysis, which includes protein predictors and evolutionary conservation, supports a deleterious effect; Has not been previously published as pathogenic or benign to our knowledge

NM_006493.4(CLN5):c.416T>C (p.Phe139Ser)

Gene: CLN5 (CLN5 intracellular trafficking protein; plus strand). Cytogenetic location: 13q22.3.
Variant type: single nucleotide variant.
Coding change: c.416T>C on transcript NM_006493.4 (MANE Select); coding-DNA position 416, T replaced by C.
Protein change: p.Phe139Ser; replaces phenylalanine 139 with serine.
Molecular consequence: missense variant.
Genome position (GRCh38, 1-based): chr13:76,995,978, T>C. VCF-style: chr13-76995978-T-C. GRCh37 (hg19) VCF-style: chr13-77570113-T-C.
Other names: c.416T>C, p.Phe139Ser (NM_001366624.2); short protein forms F139S.
Identifiers: ClinVar variation 1307600 (VCV001307600.2), dbSNP rs2034259131, ClinGen allele CA388308932.